The following is an entry in ClinVar:

ClinVar aggregate classification (germline): Benign/Likely benign. Review status: criteria provided, multiple submitters, no conflicts (2 of 4 stars). 5 submissions from 5 submitters: Benign (3); Likely benign (2). Last evaluated 2026-02-02.

Conditions:
Parathyroid carcinoma (PRTC). Also called: CDC73-Related Parathyroid Carcinoma; Parathyroid gland carcinoma. Identifiers: Orphanet 143, MedGen C0687150, MONDO:0012004, OMIM 608266, HP:0006780.
Hereditary cancer-predisposing syndrome. Also called: Neoplastic Syndromes, Hereditary; Tumor predisposition; Hereditary Cancer Syndrome; Hereditary neoplastic syndrome. Identifiers: Orphanet 140162, MedGen C0027672, MeSH D009386, MONDO:0015356.

Submissions (5):

Labcorp Genetics (formerly Invitae), Labcorp
Classification: Benign for Parathyroid carcinoma. Last evaluated: 2026-02-02. Review status: criteria provided, single submitter. Criteria: Invitae Variant Classification Sherloc (09022015). Collection method: clinical testing. Allele origin: germline.

Blueprint Genetics
Classification: Likely benign. Last evaluated: 2024-11-13. Review status: criteria provided, single submitter. Criteria: ACMG Guidelines, 2015. Collection method: clinical testing. Allele origin: germline.

Ambry Genetics
Classification: Likely benign for Hereditary cancer-predisposing syndrome. Last evaluated: 2022-08-25. Review status: criteria provided, single submitter. Criteria: Ambry Variant Classification Scheme 2023. Collection method: clinical testing. Allele origin: germline.

Sema4
Classification: Benign for Hereditary cancer-predisposing syndrome. Last evaluated: 2021-03-02. Review status: criteria provided, single submitter. Criteria: Sema4 Curation Guidelines. Collection method: curation. Allele origin: germline.

Women's Health and Genetics/Laboratory Corporation of America, LabCorp
Classification: Benign. Last evaluated: 2019-07-01. Review status: criteria provided, single submitter. Criteria: LabCorp Variant Classification Summary - May 2015. Collection method: clinical testing. Allele origin: germline.
Comment: Variant summary: CDC73 c.1560-4dupT alters a nucleotide located close to a canonical splice site and therefore could affect mRNA splicing, leading to a significantly altered protein sequence. 5/5 computational tools predict no significant impact on normal splicing. However, these predictions have yet to be confirmed by functional studies. The variant allele was found at a frequency of 0.00014 in 280578 control chromosomes, predominantly at a frequency of 0.0029 within the Ashkenazi Jewish subpopulation in the gnomAD database. The observed variant frequency within Ashkenazi Jewish control individuals in the gnomAD database is approximately 714-folds higher than the estimated maximal expected allele frequency for a pathogenic variant in CDC73 causing Hyperparathyroidism-Jaw Tumor Syndrome phenotype (4.1e-06), strongly suggesting that the variant is a benign polymorphism found primarily in populations of Ashkenazi Jewish origin. To our knowledge, no occurrence of c.1560-4dupT in individuals affected with Hyperparathyroidism-Jaw Tumor Syndrome and no experimental evidence demonstrating its impact on protein function have been reported. No clinical diagnostic laboratories have submitted clinical-significance assessments for this variant to ClinVar after 2014. Based on the evidence outlined above, the variant was classified as benign.

NM_024529.5(CDC73):c.1560-4dup

Gene: CDC73 (cell division cycle 73; plus strand). Cytogenetic location: 1q31.2.
Variant type: Duplication.
Coding change: c.1560-4dup on transcript NM_024529.5 (MANE Select); 4 bases into the intron before coding-DNA position 1560, one base duplicated (T; older notation c.1560-4dupT).
Molecular consequence: intron variant.
Genome position (GRCh38, 1-based): chr1:193,250,672, T duplicated; the last of 7 consecutive T bases (chr1:193,250,666-193,250,672); duplicating any one gives the same sequence. VCF-style (leftmost placement, unchanged base first): chr1-193250665-A-AT. GRCh37 (hg19) VCF-style: chr1-193219795-A-AT.
Other names: c.1560-4dup (NM_024529.4).
Identifiers: ClinVar variation 819541 (VCV000819541.15), dbSNP rs761016442, ClinGen allele CA1303894.